The following is an entry in ClinVar:

NM_004448.4(ERBB2):c.469C>T (p.Arg157Trp)

Gene: ERBB2 (erb-b2 receptor tyrosine kinase 2; plus strand). Cytogenetic location: 17q12.
Variant type: single nucleotide variant.
Coding change: c.469C>T on transcript NM_004448.4 (MANE Select); coding-DNA position 469, C replaced by T.
Protein change: p.Arg157Trp; replaces arginine 157 with tryptophan.
Molecular consequence: missense variant. On other transcripts: non-coding transcript variant (1), intron variant (2).
Genome position (GRCh38, 1-based): chr17:39,709,347, C>T. VCF-style: chr17-39709347-C-T. GRCh37 (hg19) VCF-style: chr17-37865600-C-T.
Other names: c.379C>T, p.Arg127Trp (NM_001005862.3, NM_001289938.2, NM_001382782.1 and 1 more transcripts); c.424C>T, p.Arg142Trp (NM_001289936.2); c.469C>T, p.Arg157Trp (NM_001289937.2, NM_001382784.1, NM_001382785.1 and 17 more transcripts); c.544C>T, p.Arg182Trp (NM_001382787.1); c.440-511C>T (NM_001382799.1); c.74-2581C>T (NM_001382804.1); c.460C>T, p.Arg154Trp (NM_001382791.1); short protein forms R127W, R142W, R154W, R157W, R182W.
Identifiers: ClinVar variation 2892389 (VCV002892389.3), dbSNP rs781137961, ClinGen allele CA8533636.

ClinVar aggregate classification (germline): Uncertain significance (1 of 4 stars; one submission).

Allele frequency attached by ClinVar (database versions not stated): ExAC 0.00001; gnomAD 0.00001; gnomAD exomes 0.00001.

Submission:

Labcorp Genetics (formerly Invitae), Labcorp
Classification: Uncertain significance. Last evaluated: 2023-10-27. Review status: criteria provided, single submitter. Criteria: Invitae Variant Classification Sherloc (09022015). Collection method: clinical testing. Allele origin: germline.
Comment: This sequence change replaces arginine, which is basic and polar, with tryptophan, which is neutral and slightly polar, at codon 157 of the ERBB2 protein (p.Arg157Trp). This variant is present in population databases (rs781137961, gnomAD 0.003%). This missense change has been observed in individual(s) with breast cancer (PMID: 28164408). Advanced modeling of protein sequence and biophysical properties (such as structural, functional, and spatial information, amino acid conservation, physicochemical variation, residue mobility, and thermodynamic stability) performed at Invitae indicates that this missense variant is not expected to disrupt ERBB2 protein function with a negative predictive value of 80%. In summary, the available evidence is currently insufficient to determine the role of this variant in disease. Therefore, it has been classified as a Variant of Uncertain Significance.

Literature cited by the submitters: PubMed 28164408.